The following is an entry in ClinVar:

ClinVar aggregate classification (germline): Conflicting classifications of pathogenicity. Review status: criteria provided, conflicting classifications (1 of 4 stars). 9 submissions from 9 submitters: Uncertain significance (8); Likely benign (1). Last evaluated 2025-12-14.

Conditions:
Hereditary cancer-predisposing syndrome. Also called: Hereditary Cancer Syndrome; Tumor predisposition; Hereditary neoplastic syndrome; Neoplastic Syndromes, Hereditary. Identifiers: Orphanet 140162, MedGen C0027672, MeSH D009386, MONDO:0015356.
Fanconi anemia complementation group O. Also called: RAD51C-Related Fanconi Anemia. Identifiers: Orphanet 84, MedGen C3150653, MONDO:0013248, OMIM 613390.
Breast-ovarian cancer, familial, susceptibility to, 3. Also called: RAD51C-Related Breast/Ovarian Cancer. Identifiers: Orphanet 145, MedGen C3150659, MONDO:0013253, OMIM 613399.

Allele frequency attached by ClinVar (database versions not stated): ExAC 0.00001; gnomAD exomes 0.00001 and 0.00002.
gnomAD v4.1: 11 of 1,608,048 alleles (0.00068%); highest among the groups gnomAD compares: Non-Finnish European, 0.00094%; no homozygotes.

Submissions (9):

Labcorp Genetics (formerly Invitae), Labcorp
Classification: Uncertain significance for Fanconi anemia complementation group O. Last evaluated: 2025-12-14. Review status: criteria provided, single submitter. Criteria: Invitae Variant Classification Sherloc (09022015). Collection method: clinical testing. Allele origin: germline.
Comment: This sequence change replaces isoleucine, which is neutral and non-polar, with valine, which is neutral and non-polar, at codon 208 of the RAD51C protein (p.Ile208Val). This variant is present in population databases (rs771078849, gnomAD 0.003%). This missense change has been observed in individual(s) with RAD51C-related conditions (PMID: 31159747). ClinVar contains an entry for this variant (Variation ID: 241773). Invitae Evidence Modeling of protein sequence and biophysical properties (such as structural, functional, and spatial information, amino acid conservation, physicochemical variation, residue mobility, and thermodynamic stability) indicates that this missense variant is not expected to disrupt RAD51C protein function with a negative predictive value of 80%. Experimental studies have shown that this missense change does not substantially affect RAD51C function (PMID: 37253112). In summary, the available evidence is currently insufficient to determine the role of this variant in disease. Therefore, it has been classified as a Variant of Uncertain Significance.

Women's Health and Genetics/Laboratory Corporation of America, LabCorp
Classification: Uncertain significance. Last evaluated: 2025-11-10. Review status: criteria provided, single submitter. Criteria: LabCorp Variant Classification Summary - May 2015. Collection method: clinical testing. Allele origin: germline.
Comment: Variant summary: RAD51C c.622A>G (p.Ile208Val) results in a conservative amino acid change in the encoded protein sequence. Algorithms developed to predict the effect of missense changes on protein structure and function are either unavailable or do not agree on the potential impact of this missense change. The variant allele was found at a frequency of 1.2e-05 in 251238 control chromosomes. The available data on variant occurrences in the general population are insufficient to allow any conclusion about variant significance. c.622A>G has been observed in individual(s) affected with hereditary cancer family history (Tsaousis_2019). These report(s) do not provide unequivocal conclusions about association of the variant with Fanconi Anemia Complementation Group O and other RAD51C related conditions. At least one publication reports experimental evidence evaluating an impact on protein function. These results showed no damaging effect of this variant (Hu_2023). The following publications have been ascertained in the context of this evaluation (PMID: 37253112, 31159747). ClinVar contains an entry for this variant (Variation ID: 241773). Based on the evidence outlined above, the variant was classified as uncertain significance.

Ambry Genetics
Classification: Likely benign for Hereditary cancer-predisposing syndrome. Last evaluated: 2024-09-17. Review status: criteria provided, single submitter. Criteria: Ambry Variant Classification Scheme 2023. Collection method: clinical testing. Allele origin: germline.

Blueprint Genetics
Classification: Uncertain significance. Last evaluated: 2024-03-26. Review status: criteria provided, single submitter. Criteria: ACMG Guidelines, 2015. Collection method: clinical testing. Allele origin: germline.

Baylor Genetics
Classification: Uncertain significance for Breast-ovarian cancer, familial, susceptibility to, 3. Last evaluated: 2023-10-18. Review status: criteria provided, single submitter. Criteria: ACMG Guidelines, 2015. Collection method: clinical testing. Allele origin: unknown.

Color Diagnostics, LLC DBA Color Health
Classification: Uncertain significance for Hereditary cancer-predisposing syndrome. Last evaluated: 2023-04-11. Review status: criteria provided, single submitter. Criteria: ACMG Guidelines, 2015. Collection method: clinical testing. Allele origin: germline.
Comment: This missense variant replaces isoleucine with valine at codon 208 of the RAD51C protein. Computational prediction suggests that this variant may not impact protein structure and function (internally defined REVEL score threshold <= 0.5, PMID: 27666373). To our knowledge, functional studies have not been reported for this variant. This variant has not been reported in individuals affected with hereditary cancer in the literature. This variant has been identified in 3/251238 chromosomes in the general population by the Genome Aggregation Database (gnomAD). The available evidence is insufficient to determine the role of this variant in disease conclusively. Therefore, this variant is classified as a Variant of Uncertain Significance.

Institute for Clinical Genetics, University Hospital TU Dresden, University Hospital TU Dresden
Classification: Uncertain significance. Last evaluated: 2021-11-03. Review status: criteria provided, single submitter. Criteria: ACMG Guidelines, 2015. Collection method: clinical testing. Allele origin: germline.

GeneDx
Classification: Uncertain significance. Last evaluated: 2019-06-14. Review status: criteria provided, single submitter. Criteria: GeneDx Variant Classification Process June 2021. Collection method: clinical testing. Allele origin: germline. Affected: yes.
Comment: Not observed at a significant frequency in large population cohorts (Lek et al., 2016); In silico analysis, which includes protein predictors and evolutionary conservation, supports that this variant does not alter protein structure/function; Has not been previously published as pathogenic or benign to our knowledge; This variant is associated with the following publications: (PMID: 31159747, 28678401)

GeneKor MSA
Classification: Uncertain significance for Hereditary cancer-predisposing syndrome. Last evaluated: 2018-08-01. Review status: criteria provided, single submitter. Criteria: ACMG Guidelines, 2015. Collection method: clinical testing. Allele origin: germline.

Literature cited by the submitters: PubMed 31159747 (cited by 3 submitters); PubMed 37253112 (cited by 3 submitters).

NM_058216.3(RAD51C):c.622A>G (p.Ile208Val)

Genes: RAD51C (RAD51 paralog C; plus strand), LOC129390903 (MPRA-validated peak2919 silencer; plus strand). Cytogenetic location: 17q22.
Variant type: single nucleotide variant.
Coding change: c.622A>G on transcript NM_058216.3 (MANE Select); coding-DNA position 622, A replaced by G.
Protein change: p.Ile208Val; replaces isoleucine 208 with valine.
Molecular consequence: missense variant. On other transcripts: non-coding transcript variant (1).
Genome position (GRCh38, 1-based): chr17:58,703,246, A>G. VCF-style: chr17-58703246-A-G. GRCh37 (hg19) VCF-style: chr17-56780607-A-G.
Other names: short protein forms I208V.
Identifiers: ClinVar variation 241773 (VCV000241773.29), dbSNP rs771078849, ClinGen allele CA8677283.